The following is an entry in ClinVar:

ClinVar aggregate classification (germline): Uncertain significance. Review status: criteria provided, multiple submitters, no conflicts (2 of 4 stars). 2 submissions from 2 submitters: Uncertain significance (2). Last evaluated 2026-05-11.

Conditions:
Inborn genetic diseases. Identifiers: MedGen C0950123, MeSH D030342.

Allele frequency attached by ClinVar (database versions not stated): gnomAD 0.00001; TOPMed below 0.00001.
gnomAD v4.1: 1 of 1,551,174 alleles (0.000064%); highest among the groups gnomAD compares: Non-Finnish European, 0.000087%; no homozygotes.

Submissions (2):

Ambry Genetics
Classification: Uncertain significance for Inborn genetic diseases. Last evaluated: 2026-05-11. Review status: criteria provided, single submitter. Criteria: Ambry Variant Classification Scheme 2023. Collection method: clinical testing. Allele origin: germline.

Labcorp Genetics (formerly Invitae), Labcorp
Classification: Uncertain significance. Last evaluated: 2022-03-07. Review status: criteria provided, single submitter. Criteria: Invitae Variant Classification Sherloc (09022015). Collection method: clinical testing. Allele origin: germline.
Comment: This sequence change replaces asparagine, which is neutral and polar, with histidine, which is basic and polar, at codon 851 of the EYS protein (p.Asn851His). This variant is not present in population databases (gnomAD no frequency). This variant has not been reported in the literature in individuals affected with EYS-related conditions. Algorithms developed to predict the effect of missense changes on protein structure and function are either unavailable or do not agree on the potential impact of this missense change (SIFT: "Deleterious"; PolyPhen-2: "Possibly Damaging"; Align-GVGD: "Class C15"). In summary, the available evidence is currently insufficient to determine the role of this variant in disease. Therefore, it has been classified as a Variant of Uncertain Significance.

NM_001142800.2(EYS):c.2551A>C (p.Asn851His)

Gene: EYS (EGF-like photoreceptor maintenance factor; minus strand). Cytogenetic location: 6q12.
Variant type: single nucleotide variant.
Coding change: c.2551A>C on transcript NM_001142800.2 (MANE Select); coding-DNA position 2551, A replaced by C.
Protein change: p.Asn851His; replaces asparagine 851 with histidine.
Molecular consequence: missense variant.
Genome position (GRCh38, 1-based): chr6:64,912,574, T>G on the plus strand (A>C on the coding strand, the complement: EYS is on the minus strand). VCF-style: chr6-64912574-T-G. GRCh37 (hg19) VCF-style: chr6-65622467-T-G.
Other names: c.2551A>C (NM_001142800.1); c.2551A>C, p.Asn851His (NM_001292009.2); short protein forms N851H.
Identifiers: ClinVar variation 1950805 (VCV001950805.3), dbSNP rs1768033468, ClinGen allele CA364786266.